The following is an entry in ClinVar:

NM_014491.4(FOXP2):c.351G>C (p.Gln117His)

Gene: FOXP2 (forkhead box P2; plus strand). Cytogenetic location: 7q31.1.
Variant type: single nucleotide variant.
Coding change: c.351G>C on transcript NM_014491.4 (MANE Select); coding-DNA position 351, G replaced by C.
Protein change: p.Gln117His; replaces glutamine 117 with histidine.
Molecular consequence: missense variant. On other transcripts: non-coding transcript variant (2).
Genome position (GRCh38, 1-based): chr7:114,628,632, G>C. VCF-style: chr7-114628632-G-C. GRCh37 (hg19) VCF-style: chr7-114268687-G-C.
Other names: c.351G>C, p.Gln117His (NM_001172766.3, NM_148899.3, NM_148900.4); c.426G>C, p.Gln142His (NM_001172767.2, NM_148898.4); c.-1050G>C (NM_001172777.1); short protein forms Q117H, Q142H.
Identifiers: ClinVar variation 2571295 (VCV002571295.27), dbSNP rs773759127, ClinGen allele CA4445762.

ClinVar aggregate classification (germline): Likely benign (1 of 4 stars; one submission).

Allele frequency attached by ClinVar (database versions not stated): ExAC 0.00001; gnomAD exomes 0.00002; gnomAD 0.00003; TOPMed 0.00003.
gnomAD v4.1: 31 of 1,613,924 alleles (0.0019%); highest among the groups gnomAD compares: Non-Finnish European, 0.0025%; no homozygotes.

Submission:

CeGaT Center for Human Genetics Tuebingen
Classification: Likely benign. Last evaluated: 2023-06-01. Review status: criteria provided, single submitter. Criteria: CeGaT Center For Human Genetics Tuebingen Variant Classification Criteria Version 2. Collection method: clinical testing. Allele origin: germline. Affected: yes. Observed: 1 variant allele.
Comment: FOXP2: PP3, BP5, BS2